The following is an entry in ClinVar:

NM_004646.4(NPHS1):c.1992_1996del (p.Leu665fs)

Gene: NPHS1 (NPHS1 adhesion molecule, nephrin; minus strand). Cytogenetic location: 19q13.12.
Variant type: Deletion.
Coding change: c.1992_1996del on transcript NM_004646.4 (MANE Select); coding-DNA positions 1992 to 1996, 5 bases deleted (GTTGC; older notation c.1992_1996delGTTGC).
Protein change: p.Leu665fs; shifts the reading frame from leucine 665.
Molecular consequence: frameshift variant.
Genome position (GRCh38, 1-based): chr19:35,844,394-35,844,398, GCAAC deleted on the plus strand (GTTGC on the coding strand, the reverse complement: NPHS1 is on the minus strand); deleting any 5 consecutive bases within chr19:35,844,394-35,844,400 gives the same sequence; the c. name uses the placement nearest the transcript's 3' end. VCF-style (leftmost placement, unchanged base first): chr19-35844393-AGCAAC-A. GRCh37 (hg19) VCF-style: chr19-36335295-AGCAAC-A.
Other names: short protein forms L665fs.
Identifiers: ClinVar variation 5013323 (VCV005013323.1).

ClinVar aggregate classification (germline): Pathogenic (1 of 4 stars; one submission).

Conditions:
Finnish congenital nephrotic syndrome (NPHS1). Also called: NEPHROTIC SYNDROME, TYPE 1. Identifiers: Orphanet 839, MedGen C0403399, MONDO:0009732, OMIM 256300.

Submission:

Myriad Genetics, Inc.
Classification: Pathogenic for Finnish congenital nephrotic syndrome. Last evaluated: 2024-07-17. Review status: criteria provided, single submitter. Criteria: Myriad Autosomal Dominant, Autosomal Recessive and X-Linked Classification Criteria (2023). Collection method: clinical testing. Allele origin: unknown.
Comment: NM_004646.3(NPHS1):c.1992_1996del5(L665Afs*7) is expected to be pathogenic in the context of nephrotic syndrome, NPHS1-related. This variant is predicted to lead to an abnormal or absent protein product due to the creation of a premature termination codon in NPHS1, a gene where loss-of-function variants are known to be pathogenic. Please note: this variant was assessed in the context of healthy population screening.